The following is an entry in ClinVar:

ClinVar aggregate classification (germline): Pathogenic (1 of 4 stars; one submission).

Conditions:
Multiple endocrine neoplasia, type 1 (MEN1). Also called: MEN I; WERMER SYNDROME; Endocrine adenomatosis multiple; MEN 1; MEA I. Identifiers: Orphanet 652, MedGen C0025267, MeSH D018761, MONDO:0007540, OMIM 131100.

Submission:

Labcorp Genetics (formerly Invitae), Labcorp
Classification: Pathogenic for Multiple endocrine neoplasia, type 1. Last evaluated: 2016-09-03. Review status: criteria provided, single submitter. Criteria: Invitae Variant Classification Sherloc (09022015). Collection method: clinical testing. Allele origin: germline.
Comment: This variant is a gross deletion of the genomic region encompassing exon 10 of the MEN1 gene. The 5' boundary is likely confined to intron 9. The 3' end of this event is unknown as it extends through the termination codon beyond the assayed region for this gene and may encompass additional genes. While this deletion is not anticipated to result in nonsense mediated decay, it is expected to create a truncated MEN1 protein. While this particular variant has not been reported in the literature, truncating variants in MEN1 are known to be pathogenic (PMID: 17853334, 12112656). This deletion removes the functionally conserved nuclear localization signal of the MEN1 protein. Experimental studies have shown that disruption of this region abrogates the ability of MEN1 to bind DNA, regulate target gene expression, and inhibit cell proliferation (PMID: 15331604, 16449969). For these reasons, this variant has been classified as Pathogenic.

NC_000011.10:g.(?_64803514)_(64804816_?)del

Gene: MEN1 (menin 1; minus strand). Cytogenetic location: 11q13.1.
Variant type: Deletion.
Identifiers: ClinVar variation 417317 (VCV000417317.1).